The following is an entry in ClinVar:

ClinVar aggregate classification (germline): Uncertain significance (1 of 4 stars; one submission).

Conditions:
Cardiomyopathy (CMYO). Also called: Cardiomyopathies. Identifiers: Orphanet 167848, MedGen C0878544, MONDO:0004994, HP:0001638. Inheritance: Various modes of inheritance.

Allele frequency attached by ClinVar (database versions not stated): gnomAD exomes below 0.00001.

Submission:

Color Diagnostics, LLC DBA Color Health
Classification: Uncertain significance for Cardiomyopathy. Last evaluated: 2020-03-06. Review status: criteria provided, single submitter. Criteria: ACMG Guidelines, 2015. Collection method: clinical testing. Allele origin: germline.
Comment: This variant deletes 1 nucleotide in exon 8 of the TMEM43 gene, creating a frameshift and premature translation stop signal. This variant is expected to result in an absent or non-functional protein product. To our knowledge, functional assays have not been performed for this variant nor has this variant been reported in individuals affected with cardiovascular disorders in the literature. This variant has been identified in 1/251452 chromosomes in the general population by the Genome Aggregation Database (gnomAD). Clinical relevance of loss-of-function truncation and splice variants in the TMEM43 gene is not clearly established. The available evidence is insufficient to determine the role of this variant in disease conclusively. Therefore, this variant is classified as a Variant of Uncertain Significance.

NM_024334.3(TMEM43):c.609del (p.Phe203fs)

Gene: TMEM43 (transmembrane protein 43; plus strand). Cytogenetic location: 3p25.1.
Variant type: Deletion.
Coding change: c.609del on transcript NM_024334.3 (MANE Select); coding-DNA position 609, one base deleted (C; older notation c.609delC).
Protein change: p.Phe203fs; shifts the reading frame from phenylalanine 203.
Molecular consequence: frameshift variant.
Genome position (GRCh38, 1-based): chr3:14,134,795, C deleted. VCF-style (leftmost placement, unchanged base first): chr3-14134794-TC-T. GRCh37 (hg19) VCF-style: chr3-14176294-TC-T.
Other names: short protein forms F203fs.
Identifiers: ClinVar variation 928217 (VCV000928217.3), dbSNP rs1313993263, ClinGen allele CA541296900.